The following is an entry in ClinVar:

NM_000316.3(PTH1R):c.649T>C (p.Cys217Arg)

Gene: PTH1R (parathyroid hormone 1 receptor; plus strand). Cytogenetic location: 3p21.31.
Variant type: single nucleotide variant.
Coding change: c.649T>C on transcript NM_000316.3 (MANE Select); coding-DNA position 649, T replaced by C.
Protein change: p.Cys217Arg; replaces cysteine 217 with arginine.
Molecular consequence: missense variant.
Genome position (GRCh38, 1-based): chr3:46,898,672, T>C. VCF-style: chr3-46898672-T-C. GRCh37 (hg19) VCF-style: chr3-46940162-T-C.
Other names: c.649T>C, p.Cys217Arg (NM_001184744.1); c.649T>C (NM_000316.2); short protein forms C217R.
Identifiers: ClinVar variation 1062274 (VCV001062274.6), dbSNP rs2107039453, ClinGen allele CA352495999.
Genomic context (GRCh38, chr3:46,898,672, plus strand): 5'-CACCGCGCGTCCCCGTGCCCCCACCCACGGTCATGTCGCGCGCCCCGCAGGCGGCTGCAC[T>C]GCACGCGCAACTACATCCACATGCACCTGTTCCTGTCCTTCATGCTGCGCGCCGTGAGCA-3'
Protein context (NP_000307.1, residues 207-227): LILAYFRRLH[Cys217Arg]TRNYIHMHLF

ClinVar aggregate classification (germline): Uncertain significance. Review status: criteria provided, multiple submitters, no conflicts (2 of 4 stars). 2 submissions from 2 submitters: Uncertain significance (2). Last evaluated 2024-02-23.

Submissions (2):

Labcorp Genetics (formerly Invitae), Labcorp
Classification: Uncertain significance. Last evaluated: 2024-02-23. Review status: criteria provided, single submitter. Criteria: Invitae Variant Classification Sherloc (09022015). Collection method: clinical testing. Allele origin: germline.
Comment: This sequence change replaces cysteine, which is neutral and slightly polar, with arginine, which is basic and polar, at codon 217 of the PTH1R protein (p.Cys217Arg). This variant is not present in population databases (gnomAD no frequency). This variant has not been reported in the literature in individuals affected with PTH1R-related conditions. ClinVar contains an entry for this variant (Variation ID: 1062274). Advanced modeling of protein sequence and biophysical properties (such as structural, functional, and spatial information, amino acid conservation, physicochemical variation, residue mobility, and thermodynamic stability) performed at Invitae indicates that this missense variant is expected to disrupt PTH1R protein function with a positive predictive value of 80%. In summary, the available evidence is currently insufficient to determine the role of this variant in disease. Therefore, it has been classified as a Variant of Uncertain Significance.

GeneDx
Classification: Uncertain significance. Last evaluated: 2023-02-13. Review status: criteria provided, single submitter. Criteria: GeneDx Variant Classification Process June 2021. Collection method: clinical testing. Allele origin: germline. Affected: yes.
Comment: Not observed at significant frequency in large population cohorts (gnomAD); In silico analysis supports that this missense variant has a deleterious effect on protein structure/function; Has not been previously published as pathogenic or benign to our knowledge